The following is an entry in ClinVar:

ClinVar aggregate classification (germline): Pathogenic (1 of 4 stars; one submission).

Conditions:
Cortical dysplasia-focal epilepsy syndrome (PTHSL1). Also called: Pitt-Hopkins-like syndrome 1. Identifiers: Orphanet 163681, Orphanet 221150, MedGen C2750246, MONDO:0012400, OMIM 610042.

Submission:

Labcorp Genetics (formerly Invitae), Labcorp
Classification: Pathogenic for Cortical dysplasia-focal epilepsy syndrome. Last evaluated: 2023-07-10. Review status: criteria provided, single submitter. Criteria: Invitae Variant Classification Sherloc (09022015). Collection method: clinical testing. Allele origin: germline.
Comment: This variant is a gross deletion of the genomic region encompassing exon(s) 9-10 of the CNTNAP2 gene. This deletion is out-of-frame, and is expected to create a premature termination codon and result in an absent or disrupted protein product. Loss-of-function variants in CNTNAP2 are known to be pathogenic (PMID: 19896112, 21827697, 25045150, 26843181, 27439707). A similar copy number variant has been observed in individual(s) with CNTNAP2-related disease (PMID: 27439707). It has also been observed to segregate with disease in related individuals. For these reasons, this variant has been classified as Pathogenic.

Literature cited by the submitters: PubMed 19896112; PubMed 21827697; PubMed 25045150; PubMed 26843181; PubMed 27439707.

NC_000007.14:g.(?_147300121)_(147395800_?)del

Gene: CNTNAP2 (contactin associated protein 2; plus strand). Cytogenetic location: 7q35.
Variant type: Deletion.
Identifiers: ClinVar variation 832857 (VCV000832857.10).